The following is an entry in ClinVar:

NM_001384732.1(CPLANE1):c.8790C>T (p.Ser2930=)

Gene: CPLANE1 (ciliogenesis and planar polarity effector complex subunit 1; minus strand). Cytogenetic location: 5p13.2.
Variant type: single nucleotide variant.
Coding change: c.8790C>T on transcript NM_001384732.1 (MANE Select); coding-DNA position 8790, C replaced by T.
Protein change: p.Ser2930=; no amino-acid change (serine 2930 retained).
Molecular consequence: synonymous variant.
Genome position (GRCh38, 1-based): chr5:37,138,722, G>A on the plus strand (C>T on the coding strand, the complement: CPLANE1 is on the minus strand). VCF-style: chr5-37138722-G-A. GRCh37 (hg19) VCF-style: chr5-37138824-G-A.
Other names: c.8628C>T, p.Ser2876= (NM_023073.4).
Identifiers: ClinVar variation 210554 (VCV000210554.49), dbSNP rs148005445, ClinGen allele CA208963.

ClinVar aggregate classification (germline): Conflicting classifications of pathogenicity. Review status: criteria provided, conflicting classifications (1 of 4 stars). 9 submissions from 9 submitters: Uncertain significance (2); Benign (1); Likely benign (3). 3 of the submissions do not count toward it. Last evaluated 2026-06-01.

Conditions:
CPLANE1-related disorder. Also called: CPLANE1-related condition.
Joubert syndrome 17 (JBTS17). Identifiers: Orphanet 475, MedGen C3553264, MONDO:0013824, OMIM 614615.

Allele frequency attached by ClinVar (database versions not stated): 1000 Genomes Project 30x 0.00031; 1000 Genomes Project 0.00040; TOPMed 0.00133; ESP Exome Variant Server 0.00146; gnomAD 0.00160 and 0.00167; gnomAD exomes 0.00209 and 0.00202; ExAC 0.00229.
gnomAD v4.1: 3,245 of 1,604,690 alleles (0.2%); highest among the groups gnomAD compares: Non-Finnish European, 0.24%; 3 homozygotes.

Submissions (15):

CeGaT Center for Human Genetics Tuebingen
Classification: Likely benign. Last evaluated: 2026-06-01. Review status: criteria provided, single submitter. Criteria: CeGaT Center For Human Genetics Tuebingen Variant Classification Criteria Version 2. Collection method: clinical testing. Allele origin: germline. Affected: yes. Observed: 14 variant alleles.
Comment: CPLANE1: BP4, BP7

Labcorp Genetics (formerly Invitae), Labcorp
Classification: Benign. Last evaluated: 2026-01-31. Review status: criteria provided, single submitter. Criteria: Invitae Variant Classification Sherloc (09022015). Collection method: clinical testing. Allele origin: germline.

Blueprint Genetics
Classification: Likely benign. Last evaluated: 2024-11-26. Review status: criteria provided, single submitter. Criteria: ACMG Guidelines, 2015. Collection method: clinical testing. Allele origin: germline.

GeneDx
Classification: Likely benign. Last evaluated: 2021-02-08. Review status: criteria provided, single submitter. Criteria: GeneDx Variant Classification Process June 2021. Collection method: clinical testing. Allele origin: germline. Affected: yes.
Comment: This variant is associated with the following publications: (PMID: 26275891)

Illumina Laboratory Services, Illumina
Classification: Uncertain significance for Joubert syndrome 17. Last evaluated: 2018-01-12. Review status: criteria provided, single submitter. Criteria: ICSL Variant Classification Criteria 13 December 2019. Collection method: clinical testing. Allele origin: germline.

Genetic Services Laboratory, University of Chicago
Classification: Uncertain significance. Last evaluated: 2015-05-29. Review status: criteria provided, single submitter. Criteria: ACMG Guidelines, 2015. Collection method: clinical testing. Allele origin: germline.

PreventionGenetics, part of Exact Sciences
Classification: Likely benign for CPLANE1-related condition. Last evaluated: 2022-12-02. Review status: no assertion criteria provided. Collection method: clinical testing. Allele origin: germline. Not counted in ClinVar's aggregate classification.
Comment: This variant is classified as likely benign based on ACMG/AMP sequence variant interpretation guidelines (Richards et al. 2015 PMID: 25741868, with internal and published modifications).

Clinical Genetics DNA and cytogenetics Diagnostics Lab, Erasmus MC, Erasmus Medical Center
Classification: Likely benign. Review status: no assertion criteria provided. Collection method: clinical testing. Allele origin: germline. Affected: yes. Study: VKGL Data-share Consensus. Not counted in ClinVar's aggregate classification.

Dr. Peter K. Rogan Lab, Western University
No classification provided (evidence only). Condition: Acute myeloid leukemia. Review status: no classification provided. Collection method: in vitro. Allele origin: not applicable. Functional consequence: retained intron. Not counted in ClinVar's aggregate classification.

Dr. Peter K. Rogan Lab, Western University
No classification provided (evidence only). Condition: Acute myeloid leukemia. Review status: no classification provided. Collection method: in vitro. Allele origin: not applicable. Functional consequence: retained intron. Not counted in ClinVar's aggregate classification.

Dr. Peter K. Rogan Lab, Western University
No classification provided (evidence only). Condition: Acute myeloid leukemia. Review status: no classification provided. Collection method: in vitro. Allele origin: not applicable. Functional consequence: retained intron. Not counted in ClinVar's aggregate classification.

Dr. Peter K. Rogan Lab, Western University
No classification provided (evidence only). Condition: Thyroid cancer, nonmedullary, 1. Review status: no classification provided. Collection method: in vitro. Allele origin: not applicable. Functional consequence: retained intron. Not counted in ClinVar's aggregate classification.

Dr. Peter K. Rogan Lab, Western University
No classification provided (evidence only). Condition: Uterine corpus endometrial carcinoma. Review status: no classification provided. Collection method: in vitro. Allele origin: not applicable. Functional consequence: retained intron. Not counted in ClinVar's aggregate classification.

Dr. Peter K. Rogan Lab, Western University
No classification provided (evidence only). Condition: Thymoma. Review status: no classification provided. Collection method: in vitro. Allele origin: not applicable. Functional consequence: retained intron. Not counted in ClinVar's aggregate classification.

Genome Diagnostics Laboratory, University Medical Center Utrecht
Classification: Likely benign. Review status: no assertion criteria provided. Collection method: clinical testing. Allele origin: germline. Affected: yes. Study: VKGL Data-share Consensus. Not counted in ClinVar's aggregate classification.